The following is an entry in ClinVar:

ClinVar aggregate classification (germline): Uncertain significance (1 of 4 stars; one submission).

Allele frequency attached by ClinVar (database versions not stated): TOPMed 0.00004; ExAC 0.00004.
gnomAD v4.1: 32 of 1,613,260 alleles (0.002%); highest among the groups gnomAD compares: South Asian, 0.0044%; no homozygotes.

Submission:

Labcorp Genetics (formerly Invitae), Labcorp
Classification: Uncertain significance. Last evaluated: 2025-09-30. Review status: criteria provided, single submitter. Criteria: Invitae Variant Classification Sherloc (09022015). Collection method: clinical testing. Allele origin: germline.
Comment: This sequence change replaces arginine, which is basic and polar, with histidine, which is basic and polar, at codon 2064 of the DCHS1 protein (p.Arg2064His). This variant is present in population databases (rs767741861, gnomAD 0.007%). This variant has not been reported in the literature in individuals affected with DCHS1-related conditions. ClinVar contains an entry for this variant (Variation ID: 2726542). An algorithm developed to predict the effect of missense changes on protein structure and function outputs the following: PolyPhen-2: "Benign". The histidine amino acid residue is found in multiple mammalian species, which suggests that this missense change does not adversely affect protein function. In summary, the available evidence is currently insufficient to determine the role of this variant in disease. Therefore, it has been classified as a Variant of Uncertain Significance.

NM_003737.4(DCHS1):c.6191G>A (p.Arg2064His)

Gene: DCHS1 (dachsous cadherin-related 1; minus strand). Cytogenetic location: 11p15.4.
Variant type: single nucleotide variant.
Coding change: c.6191G>A on transcript NM_003737.4 (MANE Select); coding-DNA position 6191, G replaced by A.
Protein change: p.Arg2064His; replaces arginine 2064 with histidine.
Molecular consequence: missense variant.
Genome position (GRCh38, 1-based): chr11:6,626,848, C>T on the plus strand (G>A on the coding strand, the complement: DCHS1 is on the minus strand). VCF-style: chr11-6626848-C-T. GRCh37 (hg19) VCF-style: chr11-6648079-C-T.
Other names: short protein forms R2064H.
Identifiers: ClinVar variation 2726542 (VCV002726542.3), dbSNP rs767741861, ClinGen allele CA5859944.
Genomic context (GRCh38, chr11:6,626,848, plus strand): 5'-CCTGGGGGCGCATTCTCACGAATCGTAGCCTCACTGCTAGCCCGGGGAAAGCGGGGTCCA[C>T]GCTCAGCTTCCCCCTGCAGTCCAACAATGATCACACCAGTGGCAGAGCGAGCTGGACGGC-3'
Protein context (NP_003728.1, residues 2054-2074): IIVGLQGEAE[Arg2064His]GPRFPRASSE